The following is an entry in ClinVar:

ClinVar aggregate classification (germline): Likely benign (0 of 4 stars; one submission).

Conditions:
BMP6-related disorder. Also called: BMP6-related condition.

Allele frequency attached by ClinVar (database versions not stated): 1000 Genomes Project 0.00020; 1000 Genomes Project 30x 0.00031; TOPMed 0.00037; gnomAD 0.00041; ESP Exome Variant Server 0.00046; ExAC 0.00066; gnomAD exomes 0.00070.

Submission:

PreventionGenetics, part of Exact Sciences
Classification: Likely benign for BMP6-related condition. Last evaluated: 2019-09-03. Review status: no assertion criteria provided. Collection method: clinical testing. Allele origin: germline.
Comment: This variant is classified as likely benign based on ACMG/AMP sequence variant interpretation guidelines (Richards et al. 2015 PMID: 25741868, with internal and published modifications).

NM_001718.6(BMP6):c.1374C>T (p.His458=)

Gene: BMP6 (bone morphogenetic protein 6; plus strand). Cytogenetic location: 6p24.3.
Variant type: single nucleotide variant.
Coding change: c.1374C>T on transcript NM_001718.6 (MANE Select); coding-DNA position 1374, C replaced by T.
Protein change: p.His458=; no amino-acid change (histidine 458 retained).
Molecular consequence: synonymous variant.
Genome position (GRCh38, 1-based): chr6:7,880,083, C>T. VCF-style: chr6-7880083-C-T. GRCh37 (hg19) VCF-style: chr6-7880316-C-T.
Identifiers: ClinVar variation 3053020 (VCV003053020.2), dbSNP rs138326174, ClinGen allele CA3628911.